The following is an entry in ClinVar:

NM_022089.4(ATP13A2):c.1956C>T (p.Tyr652=)

Gene: ATP13A2 (ATPase cation transporting 13A2; minus strand). Cytogenetic location: 1p36.13.
Variant type: single nucleotide variant.
Coding change: c.1956C>T on transcript NM_022089.4 (MANE Select); coding-DNA position 1956, C replaced by T.
Protein change: p.Tyr652=; no amino-acid change (tyrosine 652 retained).
Molecular consequence: synonymous variant.
Genome position (GRCh38, 1-based): chr1:16,992,292, G>A on the plus strand (C>T on the coding strand, the complement: ATP13A2 is on the minus strand). VCF-style: chr1-16992292-G-A. GRCh37 (hg19) VCF-style: chr1-17318787-G-A.
Other names: c.1941C>T, p.Tyr647= (NM_001141973.3, NM_001141974.3).
Identifiers: ClinVar variation 1783311 (VCV001783311.8), dbSNP rs201236895, ClinGen allele CA637027.
Genomic context (GRCh38, chr1:16,992,292, plus strand): 5'-TCCCCCTGCACCTGTCTCGGGGTTGCAGAGCCCTGCCACCAGCTCCGGGGAGCCTTTGAC[G>A]TAGGCCTCGGGCTGAGTGGCCCCTGGCCACGCCACCACCACACTCATGCGCTGCAGAGCC-3'
Protein context (NP_071372.1, residues 642-662): AWPGATQPEA[Tyr652=]VKGSPELVAG

ClinVar aggregate classification (germline): Likely benign. Review status: criteria provided, multiple submitters, no conflicts (2 of 4 stars). 3 submissions from 3 submitters: Likely benign (3). Last evaluated 2026-07-01.

Conditions:
Inborn genetic diseases. Identifiers: MedGen C0950123, MeSH D030342.
Autosomal recessive spastic paraplegia type 78. Identifiers: Orphanet 513436, MedGen C5567893, MONDO:0014975, OMIM 617225.
Kufor-Rakeb syndrome (KRS). Also called: PARKINSON DISEASE 9, AUTOSOMAL RECESSIVE, JUVENILE-ONSET. Identifiers: Orphanet 306674, Orphanet 314632, MedGen C1847640, MONDO:0011706, OMIM 606693.

Allele frequency attached by ClinVar (database versions not stated): gnomAD exomes 0.00003; gnomAD 0.00005; ExAC 0.00008; TOPMed 0.00009; 1000 Genomes Project 0.00020; 1000 Genomes Project 30x 0.00031.
gnomAD v4.1: 58 of 1,612,484 alleles (0.0036%); highest among the groups gnomAD compares: East Asian, 0.096%; no homozygotes.

Submissions (3):

CeGaT Center for Human Genetics Tuebingen
Classification: Likely benign. Last evaluated: 2026-07-01. Review status: criteria provided, single submitter. Criteria: CeGaT Center For Human Genetics Tuebingen Variant Classification Criteria Version 2. Collection method: clinical testing. Allele origin: germline. Affected: yes. Observed: 1 variant allele.
Comment: ATP13A2: BP4, BP7

Labcorp Genetics (formerly Invitae), Labcorp
Classification: Likely benign for Kufor-Rakeb syndrome; Autosomal recessive spastic paraplegia type 78. Last evaluated: 2024-12-30. Review status: criteria provided, single submitter. Criteria: Invitae Variant Classification Sherloc (09022015). Collection method: clinical testing. Allele origin: germline.

Ambry Genetics
Classification: Likely benign for Inborn genetic diseases. Last evaluated: 2017-12-15. Review status: criteria provided, single submitter. Criteria: Ambry Variant Classification Scheme 2023. Collection method: clinical testing. Allele origin: germline.